The following is an entry in ClinVar:

NM_003265.3(TLR3):c.161C>A (p.Thr54Lys)

Gene: TLR3 (toll like receptor 3; plus strand). Cytogenetic location: 4q35.1.
Variant type: single nucleotide variant.
Coding change: c.161C>A on transcript NM_003265.3 (MANE Select); coding-DNA position 161, C replaced by A.
Protein change: p.Thr54Lys; replaces threonine 54 with lysine.
Molecular consequence: missense variant.
Genome position (GRCh38, 1-based): chr4:186,076,780, C>A. VCF-style: chr4-186076780-C-A. GRCh37 (hg19) VCF-style: chr4-186997934-C-A.
Other names: short protein forms T54K.
Identifiers: ClinVar variation 3614614 (VCV003614614.3).

ClinVar aggregate classification (germline): Uncertain significance. Review status: criteria provided, multiple submitters, no conflicts (2 of 4 stars). 2 submissions from 2 submitters: Uncertain significance (2). Last evaluated 2025-08-04.

Conditions:
Encephalopathy, acute, infection-induced (herpes-specific), susceptibility to, 1. Also called: Herpes simplex encephalitis, susceptibility to, 1. Identifiers: Orphanet 1930, MedGen C2750180, MONDO:0024563, OMIM 610551.

Submissions (2):

Ambry Genetics
Classification: Uncertain significance. Last evaluated: 2025-08-04. Review status: criteria provided, single submitter. Criteria: Ambry Variant Classification Scheme 2023. Collection method: clinical testing. Allele origin: germline.

Labcorp Genetics (formerly Invitae), Labcorp
Classification: Uncertain significance for Encephalopathy, acute, infection-induced (herpes-specific), susceptibility to, 1. Last evaluated: 2024-05-22. Review status: criteria provided, single submitter. Criteria: Invitae Variant Classification Sherloc (09022015). Collection method: clinical testing. Allele origin: germline.
Comment: This sequence change replaces threonine, which is neutral and polar, with lysine, which is basic and polar, at codon 54 of the TLR3 protein (p.Thr54Lys). This variant is present in population databases (no rsID available, gnomAD 0.0009%). This variant has not been reported in the literature in individuals affected with TLR3-related conditions. An algorithm developed to predict the effect of missense changes on protein structure and function (PolyPhen-2) suggests that this variant is likely to be tolerated. In summary, the available evidence is currently insufficient to determine the role of this variant in disease. Therefore, it has been classified as a Variant of Uncertain Significance.